The following is an entry in ClinVar:

NM_001371623.1(TCOF1):c.1523C>T (p.Pro508Leu)

Gene: TCOF1 (treacle ribosome biogenesis factor 1; plus strand). Cytogenetic location: 5q32.
Variant type: single nucleotide variant.
Coding change: c.1523C>T on transcript NM_001371623.1 (MANE Select); coding-DNA position 1523, C replaced by T.
Protein change: p.Pro508Leu; replaces proline 508 with leucine.
Molecular consequence: missense variant.
Genome position (GRCh38, 1-based): chr5:150,375,373, C>T. VCF-style: chr5-150375373-C-T. GRCh37 (hg19) VCF-style: chr5-149754936-C-T.
Other names: c.1292C>T, p.Pro431Leu (NM_000356.4, NM_001135245.2); c.1523C>T, p.Pro508Leu (NM_001008657.3, NM_001135243.2, NM_001135244.2 and 1 more transcripts); short protein forms P431L, P508L.
Identifiers: ClinVar variation 1712912 (VCV001712912.2), dbSNP rs769845491, ClinGen allele CA3510905.
Genomic context (GRCh38, chr5:150,375,373, plus strand): 5'-CTAATCTTGTCCTTTGTGTCTCCCAGGTGAAGCCCTTGGGGAAAAGCCCCCAGGTGAAAC[C>T]TGCCTCTACCATGGGCATGGGGCCCTTGGGGAAAGGCGCCGGCCCAGTGCCACCCGGGAA-3'
Protein context (NP_001358552.1, residues 498-518): KPLGKSPQVK[Pro508Leu]ASTMGMGPLG

ClinVar aggregate classification (germline): Uncertain significance (1 of 4 stars; one submission).

Allele frequency attached by ClinVar (database versions not stated): gnomAD exomes 0.00001; gnomAD 0.00002; TOPMed 0.00002; ExAC 0.00003.
gnomAD v4.1: 10 of 1,612,198 alleles (0.00062%); highest among the groups gnomAD compares: Non-Finnish European, 0.00085%; no homozygotes.

Submission:

GeneDx
Classification: Uncertain significance. Last evaluated: 2022-04-26. Review status: criteria provided, single submitter. Criteria: GeneDx Variant Classification Process June 2021. Collection method: clinical testing. Allele origin: germline. Affected: yes.
Comment: In silico analysis supports that this missense variant has a deleterious effect on protein structure/function; Has not been previously published as pathogenic or benign to our knowledge